The following is an entry in ClinVar:

NM_000059.4(BRCA2):c.3717A>G (p.Lys1239=)

Gene: BRCA2 (BRCA2 DNA repair associated; plus strand). Cytogenetic location: 13q13.1.
Variant type: single nucleotide variant.
Coding change: c.3717A>G on transcript NM_000059.4 (MANE Select); coding-DNA position 3717, A replaced by G.
Protein change: p.Lys1239=; no amino-acid change (lysine 1239 retained).
Molecular consequence: synonymous variant.
Genome position (GRCh38, 1-based): chr13:32,338,072, A>G. VCF-style: chr13-32338072-A-G. GRCh37 (hg19) VCF-style: chr13-32912209-A-G.
Identifiers: ClinVar variation 385774 (VCV000385774.31), dbSNP rs141196976, ClinGen allele CA6940720.

ClinVar aggregate classification (germline): Likely benign. Review status: reviewed by expert panel (3 of 4 stars). 14 submissions from 14 submitters: Likely benign (1). 13 of the submissions do not count toward it. Last evaluated 2017-06-29.

Conditions:
BRCA2-related disorder. Also called: BRCA2-related condition; BRCA2-related disorders. Identifiers: MedGen CN239275.
Hereditary cancer-predisposing syndrome. Also called: Neoplastic Syndromes, Hereditary; Tumor predisposition; Hereditary Cancer Syndrome; Hereditary neoplastic syndrome. Identifiers: Orphanet 140162, MedGen C0027672, MeSH D009386, MONDO:0015356.
Hereditary breast ovarian cancer syndrome. Also called: BRCA1- and BRCA2-Associated Hereditary Breast and Ovarian Cancer; Hereditary breast and ovarian cancer syndrome; Hereditary breast and ovarian cancer syndrome (HBOC); Breast and ovarian cancer; Hereditary breast and ovarian cancer; Hereditary breast and/or ovarian cancer syndrome. Identifiers: Orphanet 145, MedGen C0677776, MeSH D061325, MONDO:0003582. Disease mechanism: loss of function.
Breast-ovarian cancer, familial, susceptibility to, 2 (BROVCA2). Also called: BRCA2 Hereditary Breast and Ovarian Cancer. Identifiers: Orphanet 145, MedGen C2675520, MONDO:0012933, OMIM 612555. Disease mechanism: loss of function.

Allele frequency attached by ClinVar (database versions not stated): ESP Exome Variant Server 0.00008; ExAC 0.00001; gnomAD exomes 0.00001; TOPMed below 0.00001.
gnomAD v4.1: 19 of 1,611,628 alleles (0.0012%); highest among the groups gnomAD compares: Non-Finnish European, 0.0015%; no homozygotes.

Submissions (14):

Evidence-based Network for the Interpretation of Germline Mutant Alleles (ENIGMA)
Classification: Likely benign for Breast-ovarian cancer, familial, susceptibility to, 2. Last evaluated: 2017-06-29. Review status: reviewed by expert panel. Criteria: ENIGMA BRCA1/2 Classification Criteria (2017-06-29). Collection method: curation. Allele origin: germline.
Comment: Synonymous substitution variant, with low bioinformatic likelihood to result in a splicing aberration (Splicing prior probability 0.02).

Labcorp Genetics (formerly Invitae), Labcorp
Classification: Likely benign for Hereditary breast ovarian cancer syndrome. Last evaluated: 2026-01-13. Review status: criteria provided, single submitter. Criteria: Invitae Variant Classification Sherloc (09022015). Collection method: clinical testing. Allele origin: germline. Not counted in ClinVar's aggregate classification.

PreventionGenetics, part of Exact Sciences
Classification: Likely benign for BRCA2-related condition. Last evaluated: 2025-06-20. Review status: criteria provided, single submitter. Criteria: ACMG Guidelines, 2015. Collection method: clinical testing. Allele origin: germline. Not counted in ClinVar's aggregate classification.
Comment: This variant is classified as likely benign based on ACMG/AMP sequence variant interpretation guidelines (Richards et al. 2015 PMID: 25741868, with internal and published modifications).

All of Us Research Program, National Institutes of Health
Classification: Likely benign for Breast-ovarian cancer, familial, susceptibility to, 2. Last evaluated: 2023-10-23. Review status: criteria provided, single submitter. Criteria: ACMG Guidelines, 2015. Collection method: clinical testing. Allele origin: germline. Inheritance: Autosomal dominant inheritance. Observed: 4 variant alleles, 4 heterozygotes. Not counted in ClinVar's aggregate classification.
Comment: This study involves interpretation of variants in research participants for the purpose of population health screening. Participant phenotype was not available at the time of variant classification. Additional details can be found in publication PMID: 35346344, PMCID: PMC8962531

Blueprint Genetics
Classification: Likely benign. Last evaluated: 2022-07-15. Review status: criteria provided, single submitter. Criteria: ACMG Guidelines, 2015. Collection method: clinical testing. Allele origin: germline. Not counted in ClinVar's aggregate classification.

ARUP Laboratories, Molecular Genetics and Genomics, ARUP Laboratories
Classification: Likely benign. Last evaluated: 2022-04-02. Review status: criteria provided, single submitter. Criteria: ARUP Molecular Germline Variant Investigation Process 2021. Collection method: clinical testing. Allele origin: germline. Not counted in ClinVar's aggregate classification.

Sema4
Classification: Likely benign for Hereditary cancer-predisposing syndrome. Last evaluated: 2022-02-17. Review status: criteria provided, single submitter. Criteria: Sema4 Curation Guidelines. Collection method: curation. Allele origin: germline. Not counted in ClinVar's aggregate classification.

Quest Diagnostics Nichols Institute San Juan Capistrano
Classification: Likely benign. Last evaluated: 2020-11-13. Review status: criteria provided, single submitter. Criteria: Quest Diagnostics criteria. Collection method: clinical testing. Allele origin: unknown. Not counted in ClinVar's aggregate classification.

Women's Health and Genetics/Laboratory Corporation of America, LabCorp
Classification: Likely benign. Last evaluated: 2019-08-21. Review status: criteria provided, single submitter. Criteria: LabCorp Variant Classification Summary - May 2015. Collection method: clinical testing. Allele origin: germline. Not counted in ClinVar's aggregate classification.

GeneDx
Classification: Likely benign. Last evaluated: 2019-02-19. Review status: criteria provided, single submitter. Criteria: GeneDx Variant Classification Process June 2021. Collection method: clinical testing. Allele origin: germline. Affected: yes. Not counted in ClinVar's aggregate classification.
Comment: This variant is associated with the following publications: (PMID: 20104584)

Color Diagnostics, LLC DBA Color Health
Classification: Likely benign for Hereditary cancer-predisposing syndrome. Last evaluated: 2018-05-29. Review status: criteria provided, single submitter. Criteria: ACMG Guidelines, 2015. Collection method: clinical testing. Allele origin: germline. Not counted in ClinVar's aggregate classification.

Ambry Genetics
Classification: Likely benign for Hereditary cancer-predisposing syndrome. Last evaluated: 2015-03-09. Review status: criteria provided, single submitter. Criteria: Ambry Variant Classification Scheme 2023. Collection method: clinical testing. Allele origin: germline. Not counted in ClinVar's aggregate classification.

Counsyl
Classification: Likely benign for Breast-ovarian cancer, familial, susceptibility to, 2. Last evaluated: 2018-05-15. Review status: no assertion criteria provided. Collection method: clinical testing. Allele origin: unknown. Not counted in ClinVar's aggregate classification.

Department of Pathology and Laboratory Medicine, Sinai Health System
Classification: Likely benign. Review status: no assertion criteria provided. Collection method: clinical testing. Allele origin: unknown. Affected: yes. Observed: 1 variant allele. Study: The Canadian Open Genetics Repository (COGR). Not counted in ClinVar's aggregate classification.
Comment: The p.Lys1239Lys variant is not expected to have clinical significance because it does not result in a change of amino acid and is not located in a known consensus splice site. This variant was not identified in the literature, but was identified 1X in the UMD as an unclassified variant, and dbSNP (ID: rs141196976) â€šÃ„ÃºWith allele of Uncertain significanceâ€šÃ„Ã¹. The variant was identified in one of 8598 European American alleles (frequency: 0.0001) in the NHLBI Exome Sequencing Project (Exome Variant Server), although this low number of observations and low frequency is not substantive enough to determine the prevalence of the variant in the general population and its relationship to disease. In addition, in silico or computational prediction software programs (SpliceSiteFinder, MaxEntScan, NNSPLICE, GeneSplicer, HumanSpliceFinder) do not predict a difference in splicing. In summary, based on the above information, the clinical significance of this variant cannot be determined with certainty at this time although we would lean towards a more benign role for this variant. This variant is classified as predicted benign.

Literature cited by the submitters: PubMed 20104584 (cited by Quest Diagnostics Nichols Institute San Juan Capistrano and Counsyl).